The following is an entry in ClinVar:

ClinVar aggregate classification (germline): Likely pathogenic (1 of 4 stars; one submission).

Conditions:
Polycystic kidney disease 4 (PKD4). Also called: POLYCYSTIC KIDNEY AND HEPATIC DISEASE 1; POLYCYSTIC KIDNEY DISEASE, INFANTILE, TYPE I; POLYCYSTIC KIDNEY DISEASE 4 WITH OR WITHOUT POLYCYSTIC LIVER DISEASE; PKD3; Autosomal Recessive Polycystic Kidney Disease – PKHD1. Identifiers: MedGen C4540575, MONDO:0033004, OMIM 263200.

Submission:

Myriad Genetics, Inc.
Classification: Likely pathogenic for Polycystic kidney disease 4. Last evaluated: 2022-03-28. Review status: criteria provided, single submitter. Criteria: Myriad Women's Health Autosomal Recessive and X-Linked Classification Criteria (2021). Collection method: clinical testing. Allele origin: unknown.
Comment: NM_138694.3(PKHD1):c.7218del1ins15(I2406Mfs*14) is expected to be pathogenic in the context of autosomal recessive polycystic kidney disease, PKHD1-related. This variant is predicted to lead to an abnormal or absent protein product due to the creation of a premature termination codon in PKHD1, a gene where loss-of-function variants are known to be pathogenic. Please note: this variant was assessed in the context of healthy population screening.

NM_138694.4(PKHD1):c.7218delinsGTGTATAAGAGACAG (p.Ile2406fs)

Gene: PKHD1 (PKHD1 ciliary IPT domain containing fibrocystin/polyductin; minus strand). Cytogenetic location: 6p12.2.
Variant type: Indel.
Coding change: c.7218delinsGTGTATAAGAGACAG on transcript NM_138694.4 (MANE Select); coding-DNA position 7218, T replaced by GTGTATAAGAGACAG.
Protein change: p.Ile2406fs; shifts the reading frame from isoleucine 2406.
Molecular consequence: frameshift variant.
Genome position (GRCh38, 1-based): chr6:51,883,225, A replaced by CTGTCTCTTATACAC on the plus strand (T replaced by GTGTATAAGAGACAG on the coding strand, the reverse complement: PKHD1 is on the minus strand). VCF-style: chr6-51883225-A-CTGTCTCTTATACAC. GRCh37 (hg19) VCF-style: chr6-51748023-A-CTGTCTCTTATACAC.
Other names: c.7218delinsGTGTATAAGAGACAG, p.Ile2406fs (NM_170724.3); short protein forms I2406fs.
Identifiers: ClinVar variation 1725485 (VCV001725485.2), dbSNP rs2536182691, ClinGen allele CA2580075459.